The following is an entry in ClinVar:

ClinVar aggregate classification (germline): Uncertain significance. Review status: criteria provided, multiple submitters, no conflicts (2 of 4 stars). 2 submissions from 2 submitters: Uncertain significance (2). Last evaluated 2025-01-05.

Conditions:
Pancreatic adenocarcinoma. Identifiers: MedGen C0281361, MONDO:0006047, HP:0006725.

Submissions (2):

Ambry Genetics
Classification: Uncertain significance. Last evaluated: 2025-01-05. Review status: criteria provided, single submitter. Criteria: Ambry Variant Classification Scheme 2023. Collection method: clinical testing. Allele origin: germline.
Comment: The p.P657A variant (also known as c.1969C>G), located in coding exon 11 of the PALLD gene, results from a C to G substitution at nucleotide position 1969. The proline at codon 657 is replaced by alanine, an amino acid with highly similar properties. This amino acid position is conserved. In addition, this alteration is predicted to be tolerated by in silico analysis. Based on the available evidence, the clinical significance of this variant remains unclear.

Labcorp Genetics (formerly Invitae), Labcorp
Classification: Uncertain significance for Pancreatic adenocarcinoma. Last evaluated: 2022-01-27. Review status: criteria provided, single submitter. Criteria: Invitae Variant Classification Sherloc (09022015). Collection method: clinical testing. Allele origin: germline.
Comment: Algorithms developed to predict the effect of missense changes on protein structure and function are either unavailable or do not agree on the potential impact of this missense change (SIFT: "Deleterious"; PolyPhen-2: "Benign"; Align-GVGD: "Class C0"). In summary, the available evidence is currently insufficient to determine the role of this variant in disease. Therefore, it has been classified as a Variant of Uncertain Significance. This variant is not present in population databases (gnomAD no frequency). This sequence change replaces proline, which is neutral and non-polar, with alanine, which is neutral and non-polar, at codon 657 of the PALLD protein (p.Pro657Ala). ClinVar contains an entry for this variant (Variation ID: 566561). This variant has not been reported in the literature in individuals affected with PALLD-related conditions.

NM_001166108.2(PALLD):c.*155C>G

Genes: CBR4 (carbonyl reductase 4; minus strand), PALLD (palladin, cytoskeletal associated protein; plus strand). Cytogenetic location: 4q32.3.
Variant type: single nucleotide variant.
Coding change: c.*155C>G on transcript NM_001166108.2 (MANE Select); 155 bases downstream of the stop codon, C replaced by G.
Molecular consequence: 3 prime UTR variant. On other transcripts: missense variant (4).
Genome position (GRCh38, 1-based): chr4:168,926,335, C>G. VCF-style: chr4-168926335-C-G. GRCh37 (hg19) VCF-style: chr4-169847486-C-G.
Other names: c.2284C>G, p.Pro762Ala (NM_001166109.2); c.1969C>G, p.Pro657Ala (NM_001166110.2); c.*155C>G (NM_001367567.1, NM_001367570.1, NM_016081.4); c.1360C>G, p.Pro454Ala (NM_001367568.1); c.1309C>G, p.Pro437Ala (NM_001367569.1); short protein forms P657A, P454A, P762A, P437A.
Identifiers: ClinVar variation 566561 (VCV000566561.10), dbSNP rs1560940853, ClinGen allele CA358716586.